The following is an entry in ClinVar:

NM_016247.4(IMPG2):c.2134G>A (p.Val712Ile)

Gene: IMPG2 (interphotoreceptor matrix proteoglycan 2; minus strand). Cytogenetic location: 3q12.3.
Variant type: single nucleotide variant.
Coding change: c.2134G>A on transcript NM_016247.4 (MANE Select); coding-DNA position 2134, G replaced by A.
Protein change: p.Val712Ile; replaces valine 712 with isoleucine.
Molecular consequence: missense variant.
Genome position (GRCh38, 1-based): chr3:101,244,197, C>T on the plus strand (G>A on the coding strand, the complement: IMPG2 is on the minus strand). VCF-style: chr3-101244197-C-T. GRCh37 (hg19) VCF-style: chr3-100963041-C-T.
Other names: short protein forms V712I.
Identifiers: ClinVar variation 1036543 (VCV001036543.8), dbSNP rs140592059, ClinGen allele CA2519037.

ClinVar aggregate classification (germline): Uncertain significance (1 of 4 stars; one submission).

Allele frequency attached by ClinVar (database versions not stated): gnomAD exomes 0.00003 and 0.00002; ESP Exome Variant Server 0.00008; ExAC 0.00001; gnomAD 0.00001; TOPMed 0.00001.
gnomAD v4.1: 42 of 1,613,884 alleles (0.0026%); highest among the groups gnomAD compares: Non-Finnish European, 0.0035%; no homozygotes.

Submission:

Labcorp Genetics (formerly Invitae), Labcorp
Classification: Uncertain significance. Last evaluated: 2020-08-31. Review status: criteria provided, single submitter. Criteria: Invitae Variant Classification Sherloc (09022015). Collection method: clinical testing. Allele origin: germline.
Comment: In summary, the available evidence is currently insufficient to determine the role of this variant in disease. Therefore, it has been classified as a Variant of Uncertain Significance. Algorithms developed to predict the effect of missense changes on protein structure and function output the following: SIFT: "Tolerated"; PolyPhen-2: "Benign"; Align-GVGD: "Class C0". The isoleucine amino acid residue is found in multiple mammalian species, suggesting that this missense change does not adversely affect protein function. These predictions have not been confirmed by published functional studies and their clinical significance is uncertain. This variant has not been reported in the literature in individuals with IMPG2-related conditions. This variant is present in population databases (rs140592059, ExAC 0.002%). This sequence change replaces valine with isoleucine at codon 712 of the IMPG2 protein (p.Val712Ile). The valine residue is weakly conserved and there is a small physicochemical difference between valine and isoleucine.